The following is an entry in ClinVar:

ClinVar aggregate classification (germline): Uncertain significance (1 of 4 stars; one submission).

Submission:

GeneDx
Classification: Uncertain significance. Last evaluated: 2026-03-18. Review status: criteria provided, single submitter. Criteria: GeneDx Variant Classification Process June 2021. Collection method: clinical testing. Allele origin: germline.
Comment: Not observed at significant frequency in large population cohorts (gnomAD); In silico analysis suggests that this missense variant does not alter protein structure/function; Has not been previously published as pathogenic or benign to our knowledge

NM_005609.4(PYGM):c.2401A>T (p.Met801Leu)

Gene: PYGM (glycogen phosphorylase, muscle associated; minus strand). Cytogenetic location: 11q13.1.
Variant type: single nucleotide variant.
Coding change: c.2401A>T on transcript NM_005609.4 (MANE Select); coding-DNA position 2401, A replaced by T.
Protein change: p.Met801Leu; replaces methionine 801 with leucine.
Molecular consequence: missense variant.
Genome position (GRCh38, 1-based): chr11:64,746,787, T>A on the plus strand (A>T on the coding strand, the complement: PYGM is on the minus strand). VCF-style: chr11-64746787-T-A. GRCh37 (hg19) VCF-style: chr11-64514259-T-A.
Other names: c.2137A>T, p.Met713Leu (NM_001164716.1); short protein forms M713L, M801L.
Identifiers: ClinVar variation 4975226 (VCV004975226.1).